The following is an entry in ClinVar:

ClinVar aggregate classification (germline): Likely benign (1 of 4 stars; one submission).

Allele frequency attached by ClinVar (database versions not stated): gnomAD 0.00006.
gnomAD v4.1: 200 of 1,208,448 alleles (0.017%); highest among the groups gnomAD compares: South Asian, 0.34%; no homozygotes.

Submission:

CeGaT Center for Human Genetics Tuebingen
Classification: Likely benign. Last evaluated: 2023-03-01. Review status: criteria provided, single submitter. Criteria: CeGaT Center For Human Genetics Tuebingen Variant Classification Criteria Version 2. Collection method: clinical testing. Allele origin: germline. Affected: yes. Observed: 1 variant allele.
Comment: LONRF3: BP4, BS2

NM_001031855.3(LONRF3):c.1073T>C (p.Leu358Pro)

Gene: LONRF3 (LON peptidase N-terminal domain and ring finger 3; plus strand). Cytogenetic location: Xq24.
Variant type: single nucleotide variant.
Coding change: c.1073T>C on transcript NM_001031855.3 (MANE Select); coding-DNA position 1073, T replaced by C.
Protein change: p.Leu358Pro; replaces leucine 358 with proline.
Molecular consequence: missense variant. On other transcripts: non-coding transcript variant (1).
Genome position (GRCh38, 1-based): chrX:118,989,421, T>C. VCF-style: chrX-118989421-T-C. GRCh37 (hg19) VCF-style: chrX-118123384-T-C.
Other names: c.305T>C, p.Leu102Pro (NM_001289109.1); c.950T>C, p.Leu317Pro (NM_024778.5); short protein forms L102P, L317P, L358P.
Identifiers: ClinVar variation 2661281 (VCV002661281.24), dbSNP rs146443202, ClinGen allele CA10500569.